The following is an entry in ClinVar:

NM_002591.4(PCK1):c.1299dup (p.Gly434fs)

Gene: PCK1 (phosphoenolpyruvate carboxykinase 1; plus strand). Cytogenetic location: 20q13.31.
Variant type: Duplication.
Coding change: c.1299dup on transcript NM_002591.4 (MANE Select); coding-DNA position 1299, one base duplicated (T; older notation c.1299dupT).
Protein change: p.Gly434fs; shifts the reading frame from glycine 434.
Molecular consequence: frameshift variant.
Genome position (GRCh38, 1-based): chr20:57,564,594, T duplicated; the last of 3 consecutive T bases (chr20:57,564,592-57,564,594); duplicating any one gives the same sequence. VCF-style (leftmost placement, unchanged base first): chr20-57564591-C-CT. GRCh37 (hg19) VCF-style: chr20-56139647-C-CT.
Other names: c.1299dupT (NM_002591.4); short protein forms G434fs.
Identifiers: ClinVar variation 4849447 (VCV004849447.1).

ClinVar aggregate classification (germline): Likely pathogenic (1 of 4 stars; one submission).

Conditions:
Phosphoenolpyruvate carboxykinase deficiency, cytosolic (PCKDC). Also called: PEPCK DEFICIENCY, CYTOSOLIC; PCK1 DEFICIENCY, CYTOSOLIC. Identifiers: Orphanet 2880, MedGen C5574905, MONDO:0009866, OMIM 261680.

Submission:

First Genomix Gene Laboratory, Genetic Diagnostics Department
Classification: Likely pathogenic for Phosphoenolpyruvate carboxykinase deficiency, cytosolic. Last evaluated: 2025-05-23. Review status: criteria provided, single submitter. Criteria: ACMG Guidelines, 2015. Collection method: clinical testing. Allele origin: germline. Inheritance: Autosomal recessive inheritance. Affected: no. Observed: 1 variant allele.